The following is an entry in ClinVar:

ClinVar aggregate classification (germline): Likely benign (1 of 4 stars; one submission).

Allele frequency attached by ClinVar (database versions not stated): gnomAD exomes 0.00028; 1000 Genomes Project 0.00060; gnomAD 0.00064.
gnomAD v4.1: 138 of 240,900 alleles (0.057%); highest among the groups gnomAD compares: East Asian, 0.45%; no homozygotes.

Submission:

CeGaT Center for Human Genetics Tuebingen
Classification: Likely benign. Last evaluated: 2024-03-01. Review status: criteria provided, single submitter. Criteria: CeGaT Center For Human Genetics Tuebingen Variant Classification Criteria Version 2. Collection method: clinical testing. Allele origin: germline. Affected: yes. Observed: 1 variant allele.
Comment: KCNQ1OT1: BS2

NM_000218.3(KCNQ1):c.1514+37500G>A

Genes: KCNQ1 (potassium voltage-gated channel subfamily Q member 1; plus strand), KCNQ1OT1 (KCNQ1 opposite strand/antisense transcript 1; minus strand). Cytogenetic location: 11p15.5.
Variant type: single nucleotide variant.
Coding change: c.1514+37500G>A on transcript NM_000218.3 (MANE Select); 37500 bases into the intron after coding-DNA position 1514, G replaced by A.
Molecular consequence: intron variant. On other transcripts: non-coding transcript variant (1).
Genome position (GRCh38, 1-based): chr11:2,699,581, G>A. VCF-style: chr11-2699581-G-A. GRCh37 (hg19) VCF-style: chr11-2720811-G-A.
Other names: c.974+37500G>A (NM_001406838.1); c.1133+37500G>A (NM_181798.2); c.1244+37500G>A (NM_001406837.1); c.1418+37500G>A (NM_001406836.1).
Identifiers: ClinVar variation 3067541 (VCV003067541.21), dbSNP rs376052942, ClinGen allele CA216198453.
Genomic context (GRCh38, chr11:2,699,581, plus strand): 5'-TGCCGCGCTGAGGAGGCCCAGGGAGGACCGCGCGGAGGAGAACCATGCTGAGGAGCCCCC[G>A]GGGAGAACAGAACCGCGGCGAGAGGCCCCCGGAGAGAACCGCGCCGAAGAACCCCCGGGG-3'